The following is an entry in ClinVar:

ClinVar aggregate classification (germline): Benign/Likely benign. Review status: criteria provided, multiple submitters, no conflicts (2 of 4 stars). 8 submissions from 8 submitters: Benign (4); Likely benign (3). 1 of the submissions does not count toward it. Last evaluated 2026-02-04.

Conditions:
ACVRL1-related disorder. Also called: ACVRL1-related condition; ACVRL1-related disorders.
Telangiectasia, hereditary hemorrhagic, type 2 (HHT2). Also called: ACVRL1-Related Hereditary Hemorrhagic Telangiectasia; Telangiectasia, hereditary hemorrhagic, type II. Identifiers: Orphanet 774, MedGen C1838163, MONDO:0010880, OMIM 600376. Disease mechanism: loss of function.

Allele frequency attached by ClinVar (database versions not stated): 1000 Genomes Project 0.00419; 1000 Genomes Project 30x 0.00422; TOPMed 0.01174; gnomAD 0.01181 and 0.01212.

Submissions (12):

Labcorp Genetics (formerly Invitae), Labcorp
Classification: Benign for Telangiectasia, hereditary hemorrhagic, type 2. Last evaluated: 2026-02-04. Review status: criteria provided, single submitter. Criteria: Invitae Variant Classification Sherloc (09022015). Collection method: clinical testing. Allele origin: germline.

ARUP Laboratories, Molecular Genetics and Genomics, ARUP Laboratories
Classification: Benign for Telangiectasia, hereditary hemorrhagic, type 2. Last evaluated: 2025-07-17. Review status: criteria provided, single submitter. Criteria: ARUP Molecular Germline Variant Investigation Process 2024. Collection method: clinical testing. Allele origin: germline.

Blueprint Genetics
Classification: Likely benign. Last evaluated: 2024-11-27. Review status: criteria provided, single submitter. Criteria: ACMG Guidelines, 2015. Collection method: clinical testing. Allele origin: germline.

CeGaT Center for Human Genetics Tuebingen
Classification: Benign. Last evaluated: 2023-01-01. Review status: criteria provided, single submitter. Criteria: CeGaT Center For Human Genetics Tuebingen Variant Classification Criteria Version 2. Collection method: clinical testing. Allele origin: germline. Affected: yes. Observed: 9 variant alleles.
Comment: ACVRL1: BS1, BS2

Genome-Nilou Lab
Classification: Benign for Telangiectasia, hereditary hemorrhagic, type 2. Last evaluated: 2021-12-05. Review status: criteria provided, single submitter. Criteria: ACMG Guidelines, 2015. Collection method: clinical testing. Allele origin: germline. Affected: no.

GeneDx
Classification: Likely benign. Last evaluated: 2018-06-26. Review status: criteria provided, single submitter. Criteria: GeneDx Variant Classification Process June 2021. Collection method: clinical testing. Allele origin: germline. Affected: yes.

Breakthrough Genomics
Classification: Likely benign. Review status: criteria provided, single submitter. Criteria: ACMG Guidelines, 2015. Collection method: not provided. Allele origin: germline. Inheritance: Autosomal dominant inheritance. Affected: yes.

PreventionGenetics, part of Exact Sciences
Classification: Benign for ACVRL1-related condition. Last evaluated: 2022-03-16. Review status: no assertion criteria provided. Collection method: clinical testing. Allele origin: germline. Not counted in ClinVar's aggregate classification.
Comment: This variant is classified as benign based on ACMG/AMP sequence variant interpretation guidelines (Richards et al. 2015 PMID: 25741868, with internal and published modifications).

Dr. Peter K. Rogan Lab, Western University
No classification provided (evidence only). Condition: Sarcoma. Review status: no classification provided. Collection method: in vitro. Allele origin: not applicable. Functional consequence: retained intron. Not counted in ClinVar's aggregate classification.

Dr. Peter K. Rogan Lab, Western University
No classification provided (evidence only). Condition: Hepatocellular carcinoma. Review status: no classification provided. Collection method: in vitro. Allele origin: not applicable. Functional consequence: retained intron. Not counted in ClinVar's aggregate classification.

Dr. Peter K. Rogan Lab, Western University
No classification provided (evidence only). Condition: Thymoma. Review status: no classification provided. Collection method: in vitro. Allele origin: not applicable. Functional consequence: retained intron. Not counted in ClinVar's aggregate classification.

Dr. Peter K. Rogan Lab, Western University
No classification provided (evidence only). Condition: Ovarian serous cystadenocarcinoma. Review status: no classification provided. Collection method: in vitro. Allele origin: not applicable. Functional consequence: retained intron. Not counted in ClinVar's aggregate classification.

NM_000020.3(ACVRL1):c.1378-216C>T

Gene: ACVRL1 (activin A receptor like type 1; plus strand). Cytogenetic location: 12q13.13.
Variant type: single nucleotide variant.
Coding change: c.1378-216C>T on transcript NM_000020.3 (MANE Select); 216 bases into the intron before coding-DNA position 1378, C replaced by T.
Molecular consequence: intron variant.
Genome position (GRCh38, 1-based): chr12:51,920,543, C>T. VCF-style: chr12-51920543-C-T. GRCh37 (hg19) VCF-style: chr12-52314327-C-T.
Other names: c.1378-216C>T (NM_001077401.2, NM_000020.2).
Identifiers: ClinVar variation 811605 (VCV000811605.62), dbSNP rs111710113, ClinGen allele CA13718381.
Genomic context (GRCh38, chr12:51,920,543, plus strand): 5'-CACTCTACTCTCTTCCTCTTCCATTTTTTATTTTTTTGTCATCCTCTGTTCTCTCTCTCA[C>T]CACTTGTCTTTCCTCTCGCTCTCCTTTCCAATGCTCTCATCTCCCTCCTCTCATCCTTTC-3'